The following is an entry in ClinVar:

NM_005911.6(MAT2A):c.951+5A>G

Genes: GGCX (gamma-glutamyl carboxylase; minus strand), MAT2A (methionine adenosyltransferase 2A; plus strand). Cytogenetic location: 2p11.2.
Variant type: single nucleotide variant.
Coding change: c.951+5A>G on transcript NM_005911.6 (MANE Select); 5 bases into the intron after coding-DNA position 951, A replaced by G.
Molecular consequence: intron variant.
Genome position (GRCh38, 1-based): chr2:85,542,752, A>G. VCF-style: chr2-85542752-A-G. GRCh37 (hg19) VCF-style: chr2-85769875-A-G.
Identifiers: ClinVar variation 4104413 (VCV004104413.1).

ClinVar aggregate classification (germline): Uncertain significance (1 of 4 stars; one submission).

Conditions:
Cardiovascular phenotype. Identifiers: MedGen CN230736.

gnomAD v4.1: 3 of 1,602,470 alleles (0.00019%); highest among the groups gnomAD compares: Non-Finnish European, 0.00017%; no homozygotes.

Submission:

Ambry Genetics
Classification: Uncertain significance for Cardiovascular phenotype. Last evaluated: 2025-08-13. Review status: criteria provided, single submitter. Criteria: Ambry Variant Classification Scheme 2023. Collection method: clinical testing. Allele origin: germline.
Comment: The c.951+5A>G intronic variant results from an A to G substitution 5 nucleotides after coding exon 7 in the MAT2A gene. This nucleotide position is not well conserved in available vertebrate species. In silico splice site analysis predicts that this alteration will not have any significant effect on splicing. The evidence for this gene-disease relationship is limited; therefore, the clinical significance of this alteration is unclear.